The following is an entry in ClinVar:

ClinVar aggregate classification (germline): Uncertain significance (1 of 4 stars; one submission).

gnomAD v4.1: 12 of 1,612,042 alleles (0.00074%); highest among the groups gnomAD compares: East Asian, 0.0045%; no homozygotes.

Submission:

Labcorp Genetics (formerly Invitae), Labcorp
Classification: Uncertain significance. Last evaluated: 2025-12-05. Review status: criteria provided, single submitter. Criteria: Invitae Variant Classification Sherloc (09022015). Collection method: clinical testing. Allele origin: germline.
Comment: This sequence change replaces methionine, which is neutral and non-polar, with valine, which is neutral and non-polar, at codon 791 of the SON protein (p.Met791Val). This variant is present in population databases (rs373061388, gnomAD 0.006%). This variant has not been reported in the literature in individuals affected with SON-related conditions. An algorithm developed to predict the effect of missense changes on protein structure and function (PolyPhen-2) suggests that this variant is likely to be tolerated. In summary, the available evidence is currently insufficient to determine the role of this variant in disease. Therefore, it has been classified as a Variant of Uncertain Significance.

NM_138927.4(SON):c.2371A>G (p.Met791Val)

Gene: SON (SON DNA and RNA binding protein; plus strand). Cytogenetic location: 21q22.11.
Variant type: single nucleotide variant.
Coding change: c.2371A>G on transcript NM_138927.4 (MANE Select); coding-DNA position 2371, A replaced by G.
Protein change: p.Met791Val; replaces methionine 791 with valine.
Molecular consequence: missense variant. On other transcripts: non-coding transcript variant (1), intron variant (1).
Genome position (GRCh38, 1-based): chr21:33,551,602, A>G. VCF-style: chr21-33551602-A-G. GRCh37 (hg19) VCF-style: chr21-34923908-A-G.
Other names: c.2371A>G, p.Met791Val (NM_001291411.2, NM_032195.3); c.244+5223A>G (NM_001291412.3); short protein forms M791V.
Identifiers: ClinVar variation 4703414 (VCV004703414.1).